The following is an entry in ClinVar:

ClinVar aggregate classification (germline): Uncertain significance (1 of 4 stars; one submission).

Conditions:
Developmental and epileptic encephalopathy, 30 (DEE30). Also called: Epileptic encephalopathy, early infantile, 30. Identifiers: MedGen C4225360, MONDO:0014595, OMIM 616341.

Allele frequency attached by ClinVar (database versions not stated): gnomAD 0.00003.

Submission:

Labcorp Genetics (formerly Invitae), Labcorp
Classification: Uncertain significance for Developmental and epileptic encephalopathy, 30. Last evaluated: 2025-08-15. Review status: criteria provided, single submitter. Criteria: Invitae Variant Classification Sherloc (09022015). Collection method: clinical testing. Allele origin: germline.
Comment: This sequence change replaces aspartic acid, which is acidic and polar, with tyrosine, which is neutral and polar, at codon 765 of the SIK1 protein (p.Asp765Tyr). The frequency data for this variant in the population databases is considered unreliable, as metrics indicate poor data quality at this position in the gnomAD database. This variant has not been reported in the literature in individuals affected with SIK1-related conditions. ClinVar contains an entry for this variant (Variation ID: 568626). Invitae Evidence Modeling of protein sequence and biophysical properties (such as structural, functional, and spatial information, amino acid conservation, physicochemical variation, residue mobility, and thermodynamic stability) indicates that this missense variant is not expected to disrupt SIK1 protein function with a negative predictive value of 95%. In summary, the available evidence is currently insufficient to determine the role of this variant in disease. Therefore, it has been classified as a Variant of Uncertain Significance.

NM_173354.5(SIK1):c.2293G>T (p.Asp765Tyr)

Gene: SIK1 (salt inducible kinase 1; minus strand). Cytogenetic location: 21q22.3.
Variant type: single nucleotide variant.
Coding change: c.2293G>T on transcript NM_173354.5 (MANE Select); coding-DNA position 2293, G replaced by T.
Protein change: p.Asp765Tyr; replaces aspartic acid 765 with tyrosine.
Molecular consequence: missense variant.
Genome position (GRCh38, 1-based): chr21:43,416,801, C>A on the plus strand (G>T on the coding strand, the complement: SIK1 is on the minus strand). VCF-style: chr21-43416801-C-A. GRCh37 (hg19) VCF-style: chr21-44836681-C-A.
Other names: short protein forms D765Y.
Identifiers: ClinVar variation 568626 (VCV000568626.11), dbSNP rs755238635, ClinGen allele CA321324244.